The following is an entry in ClinVar:

NM_152564.5(VPS13B):c.7156A>T (p.Ile2386Phe)

Gene: VPS13B (vacuolar protein sorting 13 homolog B; plus strand). Cytogenetic location: 8q22.2.
Variant type: single nucleotide variant.
Coding change: c.7156A>T on transcript NM_152564.5 (MANE Select); coding-DNA position 7156, A replaced by T.
Protein change: p.Ile2386Phe; replaces isoleucine 2386 with phenylalanine.
Molecular consequence: missense variant.
Genome position (GRCh38, 1-based): chr8:99,766,879, A>T. VCF-style: chr8-99766879-A-T. GRCh37 (hg19) VCF-style: chr8-100779107-A-T.
Other names: c.7231A>T, p.Ile2411Phe (NM_017890.5); short protein forms I2411F, I2386F.
Identifiers: ClinVar variation 1046483 (VCV001046483.7), dbSNP rs370689956, ClinGen allele CA371874305.

ClinVar aggregate classification (germline): Uncertain significance (1 of 4 stars; one submission).

Conditions:
Cohen syndrome (COH1). Also called: PEPPER SYNDROME; Cutis verticis gyrata, retinitis pigmentosa, and sensorineural deafness. Identifiers: Orphanet 193, MedGen C0265223, MONDO:0008999, OMIM 216550.

Submission:

Labcorp Genetics (formerly Invitae), Labcorp
Classification: Uncertain significance for Cohen syndrome. Last evaluated: 2020-02-17. Review status: criteria provided, single submitter. Criteria: Invitae Variant Classification Sherloc (09022015). Collection method: clinical testing. Allele origin: germline.
Comment: In summary, the available evidence is currently insufficient to determine the role of this variant in disease. Therefore, it has been classified as a Variant of Uncertain Significance. This sequence change replaces isoleucine with phenylalanine at codon 2411 of the VPS13B protein (p.Ile2411Phe). The isoleucine residue is weakly conserved and there is a small physicochemical difference between isoleucine and phenylalanine. This variant is not present in population databases (ExAC no frequency). This variant has not been reported in the literature in individuals with VPS13B-related conditions. Algorithms developed to predict the effect of missense changes on protein structure and function are either unavailable or do not agree on the potential impact of this missense change (SIFT: "Not Available"; PolyPhen-2: "Possibly Damaging"; Align-GVGD: "Not Available").